The following is an entry in ClinVar:

ClinVar aggregate classification (germline): Uncertain significance (1 of 4 stars; one submission).

Allele frequency attached by ClinVar (database versions not stated): gnomAD exomes below 0.00001; TOPMed 0.00004.
gnomAD v4.1: 2 of 1,614,078 alleles (0.00012%); highest among the groups gnomAD compares: Admixed American, 0.0017%; no homozygotes.

Submission:

Labcorp Genetics (formerly Invitae), Labcorp
Classification: Uncertain significance. Last evaluated: 2022-07-09. Review status: criteria provided, single submitter. Criteria: Invitae Variant Classification Sherloc (09022015). Collection method: clinical testing. Allele origin: germline.
Comment: This sequence change falls in intron 5 of the RGS9 gene. It does not directly change the encoded amino acid sequence of the RGS9 protein. It affects a nucleotide within the consensus splice site. This variant is present in population databases (no rsID available, gnomAD 0.003%). This variant has not been reported in the literature in individuals affected with RGS9-related conditions. Variants that disrupt the consensus splice site are a relatively common cause of aberrant splicing (PMID: 17576681, 9536098). Algorithms developed to predict the effect of sequence changes on RNA splicing suggest that this variant is not likely to affect RNA splicing. In summary, the available evidence is currently insufficient to determine the role of this variant in disease. Therefore, it has been classified as a Variant of Uncertain Significance.

Literature cited by the submitters: PubMed 17576681; PubMed 9536098.

NM_003835.4(RGS9):c.364+6T>C

Gene: RGS9 (regulator of G protein signaling 9; plus strand). Cytogenetic location: 17q24.1.
Variant type: single nucleotide variant.
Coding change: c.364+6T>C on transcript NM_003835.4 (MANE Select); 6 bases into the intron after coding-DNA position 364, T replaced by C.
Molecular consequence: intron variant.
Genome position (GRCh38, 1-based): chr17:65,160,593, T>C. VCF-style: chr17-65160593-T-C. GRCh37 (hg19) VCF-style: chr17-63156711-T-C.
Other names: c.364+6T>C (NM_001081955.3, NM_001165933.2).
Identifiers: ClinVar variation 1951042 (VCV001951042.2), dbSNP rs1381272807, ClinGen allele CA626907020.